The following is an entry in ClinVar:

NM_000165.5(GJA1):c.293A>G (p.Tyr98Cys)

Gene: GJA1 (gap junction protein alpha 1; plus strand). Cytogenetic location: 6q22.31.
Variant type: single nucleotide variant.
Coding change: c.293A>G on transcript NM_000165.5 (MANE Select); coding-DNA position 293, A replaced by G.
Protein change: p.Tyr98Cys; replaces tyrosine 98 with cysteine.
Molecular consequence: missense variant.
Genome position (GRCh38, 1-based): chr6:121,447,140, A>G. VCF-style: chr6-121447140-A-G. GRCh37 (hg19) VCF-style: chr6-121768286-A-G.
Other names: short protein forms Y98C.
Identifiers: ClinVar variation 3348598 (VCV003348598.2).
Genomic context (GRCh38, chr6:121,447,140, plus strand): 5'-GGGTCCTGCAGATCATATTTGTGTCTGTACCCACACTCTTGTACCTGGCTCATGTGTTCT[A>G]TGTGATGCGAAAGGAAGAGAAACTGAACAAGAAAGAGGAAGAACTCAAGGTTGCCCAAAC-3'
Protein context (NP_000156.1, residues 88-108): PTLLYLAHVF[Tyr98Cys]VMRKEEKLNK

ClinVar aggregate classification (germline): Likely pathogenic (1 of 4 stars; one submission).

Conditions:
GJA1-related disorder. Also called: GJA1-related condition.

Submission:

PreventionGenetics, part of Exact Sciences
Classification: Likely pathogenic for GJA1-related condition. Last evaluated: 2026-01-26. Review status: criteria provided, single submitter. Criteria: ACMG Guidelines, 2015. Collection method: clinical testing. Allele origin: germline.
Comment: The GJA1 c.293A>G variant is predicted to result in the amino acid substitution p.Tyr98Cys. This variant has not been reported in a large population database, indicating this variant is rare. This variant is interpreted as likely pathogenic.